The following is an entry in ClinVar:

NM_001999.4(FBN2):c.14G>C (p.Arg5Pro)

Gene: FBN2 (fibrillin 2; minus strand). Cytogenetic location: 5q23.3.
Variant type: single nucleotide variant.
Coding change: c.14G>C on transcript NM_001999.4 (MANE Select); coding-DNA position 14, G replaced by C.
Protein change: p.Arg5Pro; replaces arginine 5 with proline.
Molecular consequence: missense variant.
Genome position (GRCh38, 1-based): chr5:128,537,590, C>G on the plus strand (G>C on the coding strand, the complement: FBN2 is on the minus strand). VCF-style: chr5-128537590-C-G. GRCh37 (hg19) VCF-style: chr5-127873283-C-G.
Other names: short protein forms R5P.
Identifiers: ClinVar variation 1303451 (VCV001303451.3), dbSNP rs1194684025, ClinGen allele CA360763589.

ClinVar aggregate classification (germline): Uncertain significance (1 of 4 stars; one submission).

gnomAD v4.1: 3 of 1,607,574 alleles (0.00019%); highest among the groups gnomAD compares: Non-Finnish European, 0.00025%; no homozygotes.

Submission:

GeneDx
Classification: Uncertain significance. Last evaluated: 2022-09-14. Review status: criteria provided, single submitter. Criteria: GeneDx Variant Classification Process June 2021. Collection method: clinical testing. Allele origin: germline. Affected: yes.
Comment: Has not been previously published as pathogenic or benign to our knowledge; Not observed at significant frequency in large population cohorts (gnomAD); In silico analysis supports that this missense variant does not alter protein structure/function; Not located within exons 24-33, where the majority of pathogenic variants reported to date occur (Callewaert et al., 2009, Frederic et al., 2009); Although located in a calcium-binding EGF-like domain of the FBN2 gene, it does not substitute or introduce a cysteine residue (Callewaert et al., 2009; Frederic et al., 2009); This variant is associated with the following publications: (PMID: 19006240, 18767143)